The following is an entry in ClinVar:

NM_001375808.2(LPIN2):c.1796C>T (p.Pro599Leu)

Gene: LPIN2 (lipin 2; minus strand). Cytogenetic location: 18p11.31.
Variant type: single nucleotide variant.
Coding change: c.1796C>T on transcript NM_001375808.2 (MANE Select); coding-DNA position 1796, C replaced by T.
Protein change: p.Pro599Leu; replaces proline 599 with leucine.
Molecular consequence: missense variant.
Genome position (GRCh38, 1-based): chr18:2,925,366, G>A on the plus strand (C>T on the coding strand, the complement: LPIN2 is on the minus strand). VCF-style: chr18-2925366-G-A. GRCh37 (hg19) VCF-style: chr18-2925364-G-A.
Other names: c.1796C>T, p.Pro599Leu (NM_001375809.1, NM_014646.2); short protein forms P599L.
Identifiers: ClinVar variation 326636 (VCV000326636.20), dbSNP rs372850864, ClinGen allele CA8872947.

ClinVar aggregate classification (germline): Uncertain significance. Review status: criteria provided, multiple submitters, no conflicts (2 of 4 stars). 4 submissions from 4 submitters: Uncertain significance (4). Last evaluated 2026-01-27.

Conditions:
Majeed syndrome (MJDS). Also called: CHRONIC RECURRENT MULTIFOCAL OSTEOMYELITIS 1, WITH CONGENITAL DYSERYTHROPOIETIC ANEMIA, WITH OR WITHOUT NEUTROPHILIC DERMATOSIS; LPIN2-Related Majeed Syndrome. Identifiers: Orphanet 77297, MedGen C1864997, MONDO:0012316, OMIM 609628.

Allele frequency attached by ClinVar (database versions not stated): ExAC 0.00002; gnomAD exomes 0.00002 and 0.00005; gnomAD 0.00004; TOPMed 0.00005; ESP Exome Variant Server 0.00008.
gnomAD v4.1: 31 of 1,613,896 alleles (0.0019%); highest among the groups gnomAD compares: Admixed American, 0.027%; no homozygotes.

Submissions (4):

Labcorp Genetics (formerly Invitae), Labcorp
Classification: Uncertain significance for Majeed syndrome. Last evaluated: 2026-01-27. Review status: criteria provided, single submitter. Criteria: Invitae Variant Classification Sherloc (09022015). Collection method: clinical testing. Allele origin: germline.
Comment: This sequence change replaces proline, which is neutral and non-polar, with leucine, which is neutral and non-polar, at codon 599 of the LPIN2 protein (p.Pro599Leu). This variant is present in population databases (rs372850864, gnomAD 0.03%). This missense change has been observed in individual(s) with systemic auto-inflammatory diseases (PMID: 26386126). ClinVar contains an entry for this variant (Variation ID: 326636). An algorithm developed to predict the effect of missense changes on protein structure and function outputs the following: PolyPhen-2: "Benign". The leucine amino acid residue is found in multiple mammalian species, which suggests that this missense change does not adversely affect protein function. In summary, the available evidence is currently insufficient to determine the role of this variant in disease. Therefore, it has been classified as a Variant of Uncertain Significance.

ARUP Laboratories, Molecular Genetics and Genomics, ARUP Laboratories
Classification: Uncertain significance. Last evaluated: 2018-05-08. Review status: criteria provided, single submitter. Criteria: ARUP Molecular Germline Variant Investigation Process. Collection method: clinical testing. Allele origin: germline.
Comment: The LPIN2 c.1796C>T;p.Pro599Leu variant (rs372850864) has been described in the medical literature in at least one individual with a clinical diagnosis of systemic auto-inflammatory disease (Rusmini 2016). The variant is listed in the ClinVar database (Variation ID: 326636) and in the Genome Aggregation Database in 14 out of 277170 alleles, indicating it is not a common polymorphism. The proline at this position is moderately conserved across species and computational algorithms (PolyPhen-2, SIFT) predict this variant is tolerated. Considering available information, there is insufficient evidence to classify this variant with certainty. If this variant is later determined to be pathogenic, this variant individual may be a carrier of Majeed syndrome (OMIM#605519). References: Rusmini M et al. Next-generation sequencing and its initial applications for molecular diagnosis of systemic auto-inflammatory diseases. Ann Rheum Dis. 2016 Aug;75(8):1550-7.

Illumina Laboratory Services, Illumina
Classification: Uncertain significance for Majeed syndrome. Last evaluated: 2018-01-13. Review status: criteria provided, single submitter. Criteria: ICSL Variant Classification Criteria 13 December 2019. Collection method: clinical testing. Allele origin: germline.

GeneDx
Classification: Uncertain significance. Last evaluated: 2017-02-17. Review status: criteria provided, single submitter. Criteria: GeneDx Variant Classification (06012015). Collection method: clinical testing. Allele origin: germline. Affected: yes.
Comment: The P599L variant has been observed in a patient with an auto-inflammatory disorder; however that patient had another previously-observed variant which was unspecified (Rusmini et al., 2015). The variant is not observed at a significant frequency in large population cohorts (Lek et al., 2016; 1000 Genomes Consortium et al., 2015; Exome Variant Server). P599L is a semi-conservative amino acid substitution, which may impact secondary protein structure as these residues differ in some properties. This substitution occurs at a position that is not conserved. However, in silico analysis is inconsistent in its predictions as to whether or not the variant is damaging to the protein structure/function. In summary, based on the currently available information, it is unclear whether this variant is a pathogenic variant or a rare benign variant.

Literature cited by the submitters: PubMed 26386126 (cited by Labcorp Genetics (formerly Invitae), Labcorp).